The following is an entry in ClinVar:

ClinVar aggregate classification (germline): Likely benign. Review status: criteria provided, single submitter (1 of 4 stars). 2 submissions from 2 submitters: Likely benign (1). 1 of the submissions does not count toward it. Last evaluated 2020-03-14.

Conditions:
ABCB11-related disorder. Also called: ABCB11-related condition.

Allele frequency attached by ClinVar (database versions not stated): gnomAD exomes below 0.00001.
gnomAD v4.1: 1 of 1,612,602 alleles (0.000062%); highest among the groups gnomAD compares: Admixed American, 0.0017%; no homozygotes.

Submissions (2):

Labcorp Genetics (formerly Invitae), Labcorp
Classification: Likely benign. Last evaluated: 2020-03-14. Review status: criteria provided, single submitter. Criteria: Invitae Variant Classification Sherloc (09022015). Collection method: clinical testing. Allele origin: germline.

PreventionGenetics, part of Exact Sciences
Classification: Likely benign for ABCB11-related condition. Last evaluated: 2022-09-30. Review status: no assertion criteria provided. Collection method: clinical testing. Allele origin: germline. Not counted in ClinVar's aggregate classification.
Comment: This variant is classified as likely benign based on ACMG/AMP sequence variant interpretation guidelines (Richards et al. 2015 PMID: 25741868, with internal and published modifications).

NM_003742.4(ABCB11):c.1887T>C (p.Phe629=)

Gene: ABCB11 (ATP binding cassette subfamily B member 11; minus strand). Cytogenetic location: 2q31.1.
Variant type: single nucleotide variant.
Coding change: c.1887T>C on transcript NM_003742.4 (MANE Select); coding-DNA position 1887, T replaced by C.
Protein change: p.Phe629=; no amino-acid change (phenylalanine 629 retained).
Molecular consequence: synonymous variant.
Genome position (GRCh38, 1-based): chr2:168,969,474, A>G on the plus strand (T>C on the coding strand, the complement: ABCB11 is on the minus strand). VCF-style: chr2-168969474-A-G. GRCh37 (hg19) VCF-style: chr2-169825984-A-G.
Other names: c.1887T>C (NM_003742.2).
Identifiers: ClinVar variation 1115376 (VCV001115376.11), dbSNP rs1259342035, ClinGen allele CA429914172.